The following is an entry in ClinVar:

ClinVar aggregate classification (germline): Uncertain significance (0 of 4 stars; one submission).

Conditions:
NOTCH2-related disorder. Also called: NOTCH2-related condition.

Allele frequency attached by ClinVar (database versions not stated): TOPMed below 0.00001.

Submission:

PreventionGenetics, part of Exact Sciences
Classification: Uncertain significance for NOTCH2-related condition. Last evaluated: 2024-01-03. Review status: no assertion criteria provided. Collection method: clinical testing. Allele origin: germline.
Comment: The NOTCH2 c.5615A>G variant is predicted to result in the amino acid substitution p.Gln1872Arg. To our knowledge, this variant has not been reported in the literature or in a large population database, indicating this variant is rare. At this time, the clinical significance of this variant is uncertain due to the absence of conclusive functional and genetic evidence.

NM_024408.4(NOTCH2):c.5615A>G (p.Gln1872Arg)

Gene: NOTCH2 (notch receptor 2; minus strand). Cytogenetic location: 1p12.
Variant type: single nucleotide variant.
Coding change: c.5615A>G on transcript NM_024408.4 (MANE Select); coding-DNA position 5615, A replaced by G.
Protein change: p.Gln1872Arg; replaces glutamine 1872 with arginine.
Molecular consequence: missense variant.
Genome position (GRCh38, 1-based): chr1:119,919,478, T>C on the plus strand (A>G on the coding strand, the complement: NOTCH2 is on the minus strand). VCF-style: chr1-119919478-T-C. GRCh37 (hg19) VCF-style: chr1-120462101-T-C.
Other names: short protein forms Q1872R.
Identifiers: ClinVar variation 3033260 (VCV003033260.2), dbSNP rs1649197496, ClinGen allele CA341884533.